The following is an entry in ClinVar:

ClinVar aggregate classification (germline): Uncertain significance. Review status: criteria provided, multiple submitters, no conflicts (2 of 4 stars). 2 submissions from 2 submitters: Uncertain significance (2). Last evaluated 2022-08-23.

gnomAD v4.1: 7 of 1,614,038 alleles (0.00043%); highest among the groups gnomAD compares: Admixed American, 0.0033%; no homozygotes.

Submissions (2):

Blueprint Genetics
Classification: Uncertain significance. Last evaluated: 2022-08-23. Review status: criteria provided, single submitter. Criteria: ACMG Guidelines, 2015. Collection method: clinical testing. Allele origin: germline.

Labcorp Genetics (formerly Invitae), Labcorp
Classification: Uncertain significance. Last evaluated: 2022-08-10. Review status: criteria provided, single submitter. Criteria: Invitae Variant Classification Sherloc (09022015). Collection method: clinical testing. Allele origin: germline.
Comment: Algorithms developed to predict the effect of missense changes on protein structure and function output the following: SIFT: "Deleterious"; PolyPhen-2: "Possibly Damaging"; Align-GVGD: "Class C0". The cysteine amino acid residue is found in multiple mammalian species, which suggests that this missense change does not adversely affect protein function. ClinVar contains an entry for this variant (Variation ID: 1505199). This variant has not been reported in the literature in individuals affected with CNGA3-related conditions. This variant is present in population databases (rs767017804, gnomAD 0.003%). This sequence change replaces arginine, which is basic and polar, with cysteine, which is neutral and slightly polar, at codon 101 of the CNGA3 protein (p.Arg101Cys). In summary, the available evidence is currently insufficient to determine the role of this variant in disease. Therefore, it has been classified as a Variant of Uncertain Significance.

NM_001298.3(CNGA3):c.301C>T (p.Arg101Cys)

Gene: CNGA3 (cyclic nucleotide gated channel subunit alpha 3; plus strand). Cytogenetic location: 2q11.2.
Variant type: single nucleotide variant.
Coding change: c.301C>T on transcript NM_001298.3 (MANE Select); coding-DNA position 301, C replaced by T.
Protein change: p.Arg101Cys; replaces arginine 101 with cysteine.
Molecular consequence: missense variant.
Genome position (GRCh38, 1-based): chr2:98,380,260, C>T. VCF-style: chr2-98380260-C-T. GRCh37 (hg19) VCF-style: chr2-98996723-C-T.
Other names: c.301C>T, p.Arg101Cys (NM_001079878.2); short protein forms R101C.
Identifiers: ClinVar variation 1505199 (VCV001505199.7), dbSNP rs767017804, ClinGen allele CA1793689.
Genomic context (GRCh38, chr2:98,380,260, plus strand): 5'-CGCAGGTGGGCTGCCAGGCATGTGCACCACCAGGACCAGGGACCGGACTCTTTTCCTGAT[C>T]GTTTCCGTGGAGCCGAGCTTAAGGAGGTGTCCAGCCAAGAAAGCAATGCCCAGGCAAATG-3'
Protein context (NP_001289.1, residues 91-111): QDQGPDSFPD[Arg101Cys]FRGAELKEVS